The following is an entry in ClinVar:

ClinVar aggregate classification (germline): Pathogenic/Likely pathogenic. Review status: criteria provided, multiple submitters, no conflicts (2 of 4 stars). 3 submissions from 3 submitters: Pathogenic (1); Likely pathogenic (1). 1 of the submissions does not count toward it. Last evaluated 2024-05-17.

Conditions:
TRPM1-related disorder. Also called: TRPM1-related condition.
Congenital stationary night blindness 1C. Also called: Night blindness, congenital stationary (complete), 1C, autosomal recessive. Identifiers: Orphanet 215, MedGen C2750747, MONDO:0013183, OMIM 613216.

Submissions (3):

Labcorp Genetics (formerly Invitae), Labcorp
Classification: Pathogenic. Last evaluated: 2024-05-17. Review status: criteria provided, single submitter. Criteria: Invitae Variant Classification Sherloc (09022015). Collection method: clinical testing. Allele origin: germline.
Comment: This sequence change falls in intron 8 of the TRPM1 gene. It does not directly change the encoded amino acid sequence of the TRPM1 protein. It affects a nucleotide within the consensus splice site. This variant is present in population databases (rs772011426, gnomAD 0.01%). This variant has been observed in individual(s) with congenital stationary night blindness (PMID: 20300565; Invitae). In at least one individual the data is consistent with being in trans (on the opposite chromosome) from a pathogenic variant. This variant is also known as IVS8+3_6delAAGT. ClinVar contains an entry for this variant (Variation ID: 30364). Studies have shown that this variant alters TRPM1 gene expression (PMID: 20300565). Variants that disrupt the consensus splice site are a relatively common cause of aberrant splicing (PMID: 17576681, 9536098). Algorithms developed to predict the effect of sequence changes on RNA splicing suggest that this variant may disrupt the consensus splice site. For these reasons, this variant has been classified as Pathogenic.

Blueprint Genetics
Classification: Likely pathogenic for TRPM1-related disorders. Last evaluated: 2020-07-03. Review status: criteria provided, single submitter. Criteria: ACMG Guidelines, 2015. Collection method: clinical testing. Allele origin: germline. Affected: yes. Observed: 1 variant allele.

OMIM
Classification: Pathogenic for NIGHT BLINDNESS, CONGENITAL STATIONARY, TYPE 1C. Last evaluated: 2010-03-12. Review status: no assertion criteria provided. Collection method: literature only. Allele origin: germline. Not counted in ClinVar's aggregate classification.

Literature cited by the submitters: PubMed 20300565 (cited by Labcorp Genetics (formerly Invitae), Labcorp and OMIM); PubMed 17576681 (cited by Labcorp Genetics (formerly Invitae), Labcorp); PubMed 9536098 (cited by Labcorp Genetics (formerly Invitae), Labcorp).

NM_001252024.2(TRPM1):c.1089+3_1089+6del

Gene: TRPM1 (transient receptor potential cation channel subfamily M member 1; minus strand). Cytogenetic location: 15q13.3.
Variant type: Deletion.
Coding change: c.1089+3_1089+6del on transcript NM_001252024.2 (MANE Select); bases 3 to 6 of the intron after coding-DNA position 1089, 4 bases deleted (AAGT; older notation c.1089+3_1089+6delAAGT).
Molecular consequence: splice donor variant.
Genome position (GRCh38, 1-based): chr15:31,062,573-31,062,576, ACTT deleted on the plus strand (AAGT on the coding strand, the reverse complement: TRPM1 is on the minus strand); deleting any 4 consecutive bases within chr15:31,062,573-31,062,578 gives the same sequence; the c. name uses the placement nearest the transcript's 3' end. VCF-style (leftmost placement, unchanged base first): chr15-31062572-CACTT-C. GRCh37 (hg19) VCF-style: chr15-31354775-CACTT-C.
Other names: c.1140+3_1140+6del (NM_001252020.2); c.1023+3_1023+6del (NM_002420.6).
Identifiers: ClinVar variation 30364 (VCV000030364.5), dbSNP rs772011426, ClinGen allele CA213024.